The following is an entry in ClinVar:

NM_198576.4(AGRN):c.3558T>C (p.Phe1186=)

Gene: AGRN (agrin; plus strand). Cytogenetic location: 1p36.33.
Variant type: single nucleotide variant.
Coding change: c.3558T>C on transcript NM_198576.4 (MANE Select); coding-DNA position 3558, T replaced by C.
Protein change: p.Phe1186=; no amino-acid change (phenylalanine 1186 retained).
Molecular consequence: synonymous variant.
Genome position (GRCh38, 1-based): chr1:1,047,614, T>C. VCF-style: chr1-1047614-T-C. GRCh37 (hg19) VCF-style: chr1-982994-T-C.
Other names: p.Phe1186=; c.3558T>C (LRG_198t1); c.3558T>C, p.Phe1186= (NM_001305275.2); c.3243T>C, p.Phe1081= (NM_001364727.2).
Identifiers: ClinVar variation 128302 (VCV000128302.21), dbSNP rs10267, ClinGen allele CA151639.

ClinVar aggregate classification (germline): Benign. Review status: criteria provided, multiple submitters, no conflicts (2 of 4 stars). 8 submissions from 8 submitters: Benign (8). Last evaluated 2026-02-04.

Conditions:
Congenital myasthenic syndrome 8. Also called: Myasthenic syndrome, congenital, 8, with pre- and postsynaptic defects; MYASTHENIC SYNDROME, CONGENITAL, DUE TO AGRIN DEFICIENCY. Identifiers: Orphanet 590, MedGen C3808739, MONDO:0014052, OMIM 615120.

Allele frequency attached by ClinVar (database versions not stated): ESP Exome Variant Server 0.79117; TOPMed 0.79968; gnomAD 0.80748 and 0.81774; gnomAD exomes 0.90832 and 0.91662; 1000 Genomes Project 30x 0.82870; 1000 Genomes Project 0.83586; ExAC 0.89893.
gnomAD v4.1: 1,462,644 of 1,612,940 alleles (91%); highest among the groups gnomAD compares: East Asian, 100%; 669,418 homozygotes.

Submissions (8):

Labcorp Genetics (formerly Invitae), Labcorp
Classification: Benign for Congenital myasthenic syndrome 8. Last evaluated: 2026-02-04. Review status: criteria provided, single submitter. Criteria: Invitae Variant Classification Sherloc (09022015). Collection method: clinical testing. Allele origin: germline.

Blueprint Genetics
Classification: Benign. Last evaluated: 2024-11-26. Review status: criteria provided, single submitter. Criteria: ACMG Guidelines, 2015. Collection method: clinical testing. Allele origin: germline.

Genome-Nilou Lab
Classification: Benign for Congenital myasthenic syndrome 8. Last evaluated: 2021-07-14. Review status: criteria provided, single submitter. Criteria: ACMG Guidelines, 2015. Collection method: clinical testing. Allele origin: germline. Affected: no.

Mayo Clinic Laboratories, Mayo Clinic
Classification: Benign. Last evaluated: 2017-07-21. Review status: criteria provided, single submitter. Criteria: ACMG Guidelines, 2015. Collection method: clinical testing. Allele origin: germline. Observed: 425 variant alleles.

GeneDx
Classification: Benign. Last evaluated: 2016-01-19. Review status: criteria provided, single submitter. Criteria: GeneDx Variant Classification (06012015). Collection method: clinical testing. Allele origin: germline. Affected: yes.
Comment: This variant is considered likely benign or benign based on one or more of the following criteria: it is a conservative change, it occurs at a poorly conserved position in the protein, it is predicted to be benign by multiple in silico algorithms, and/or has population frequency not consistent with disease.

Genetic Services Laboratory, University of Chicago
Classification: Benign for AllHighlyPenetrant. Last evaluated: 2013-08-15. Review status: criteria provided, single submitter. Criteria: ACMG Guidelines, 2007. Collection method: clinical testing. Allele origin: germline. Inheritance: Autosomal recessive inheritance.

Breakthrough Genomics
Classification: Benign. Review status: criteria provided, single submitter. Criteria: ACMG Guidelines, 2015. Collection method: not provided. Allele origin: germline. Inheritance: Autosomal recessive inheritance. Affected: yes.

PreventionGenetics, part of Exact Sciences
Classification: Benign. Review status: criteria provided, single submitter. Criteria: ACMG Guidelines, 2015. Collection method: clinical testing. Allele origin: germline.